The following is an entry in ClinVar:

ClinVar aggregate classification (germline): Uncertain significance (1 of 4 stars; one submission).

Conditions:
Congenital disorder of glycosylation type 1E (CDG1E). Also called: CONGENITAL DISORDER OF GLYCOSYLATION, TYPE Ie; CDG Ie. Identifiers: Orphanet 79322, MedGen C1837396, MONDO:0012123, OMIM 608799.

Allele frequency attached by ClinVar (database versions not stated): TOPMed below 0.00001; gnomAD 0.00001.
gnomAD v4.1: 20 of 1,613,654 alleles (0.0012%); highest among the groups gnomAD compares: Non-Finnish European, 0.0015%; no homozygotes.

Submission:

Labcorp Genetics (formerly Invitae), Labcorp
Classification: Uncertain significance for Congenital disorder of glycosylation type 1E. Last evaluated: 2022-07-11. Review status: criteria provided, single submitter. Criteria: Invitae Variant Classification Sherloc (09022015). Collection method: clinical testing. Allele origin: germline.
Comment: This sequence change replaces tyrosine, which is neutral and polar, with cysteine, which is neutral and slightly polar, at codon 207 of the DPM1 protein (p.Tyr207Cys). In summary, the available evidence is currently insufficient to determine the role of this variant in disease. Therefore, it has been classified as a Variant of Uncertain Significance. This variant is not present in population databases (gnomAD no frequency). This variant has not been reported in the literature in individuals affected with DPM1-related conditions. ClinVar contains an entry for this variant (Variation ID: 1437109). Algorithms developed to predict the effect of missense changes on protein structure and function (SIFT, PolyPhen-2, Align-GVGD) all suggest that this variant is likely to be disruptive.

NM_003859.3(DPM1):c.620A>G (p.Tyr207Cys)

Genes: ADNP-AS1 (ADNP antisense RNA 1; plus strand), DPM1 (dolichyl-phosphate mannosyltransferase subunit 1, catalytic; minus strand). Cytogenetic location: 20q13.13.
Variant type: single nucleotide variant.
Coding change: c.620A>G on transcript NM_003859.3 (MANE Select); coding-DNA position 620, A replaced by G.
Protein change: p.Tyr207Cys; replaces tyrosine 207 with cysteine.
Molecular consequence: missense variant. On other transcripts: non-coding transcript variant (1).
Genome position (GRCh38, 1-based): chr20:50,936,206, T>C on the plus strand (A>G on the coding strand, the complement: DPM1 is on the minus strand). VCF-style: chr20-50936206-T-C. GRCh37 (hg19) VCF-style: chr20-49552743-T-C.
Other names: c.725A>G, p.Tyr242Cys (NM_001317034.1); c.701A>G, p.Tyr234Cys (NM_001317035.1); c.551A>G, p.Tyr184Cys (NM_001317036.1); short protein forms Y184C, Y207C, Y234C, Y242C.
Identifiers: ClinVar variation 1437109 (VCV001437109.6), dbSNP rs1036628226, ClinGen allele CA315296402.